The following is an entry in ClinVar:

NM_001112704.2(VAX1):c.621A>T (p.Ser207=)

Gene: VAX1 (ventral anterior homeobox 1; minus strand). Cytogenetic location: 10q25.3.
Variant type: single nucleotide variant.
Coding change: c.621A>T on transcript NM_001112704.2 (MANE Select); coding-DNA position 621, A replaced by T.
Protein change: p.Ser207=; no amino-acid change (serine 207 retained).
Molecular consequence: synonymous variant. On other transcripts: intron variant (1).
Genome position (GRCh38, 1-based): chr10:117,134,392, T>A on the plus strand (A>T on the coding strand, the complement: VAX1 is on the minus strand). VCF-style: chr10-117134392-T-A. GRCh37 (hg19) VCF-style: chr10-118893903-T-A.
Other names: c.430-1915A>T (NM_199131.3).
Identifiers: ClinVar variation 771071 (VCV000771071.8), dbSNP rs944388651, ClinGen allele CA214972252.
Genomic context (GRCh38, chr10:117,134,392, plus strand): 5'-GGCGGCCGAGCCTGCAGCGGCGCCCGCGCCCAGGGCCGGCAAGCTGGGCCCGCGCAGCGC[T>A]GAGCCGAGAGCGCCCGTGGCGCAAGGCGGCAGCAGCGCAGGCAGGCCGGGCGGCGACAAC-3'
Protein context (NP_001106175.1, residues 197-217): LPPCATGALG[Ser207=]ALRGPSLPAL

ClinVar aggregate classification (germline): Likely benign. Review status: criteria provided, single submitter (1 of 4 stars). 2 submissions from 2 submitters: Likely benign (1). 1 of the submissions does not count toward it. Last evaluated 2025-03-18.

Conditions:
Microphthalmia, syndromic 11 (MCOPS11). Identifiers: MedGen C3553077, MONDO:0013734, OMIM 614402.
VAX1-related disorder. Also called: VAX1-related condition.

Allele frequency attached by ClinVar (database versions not stated): gnomAD 0.00010 and 0.00008; TOPMed 0.00010; 1000 Genomes Project 30x 0.00047; gnomAD exomes 0.00015.
gnomAD v4.1: 112 of 1,449,876 alleles (0.0077%); highest among the groups gnomAD compares: East Asian, 0.21%; 1 homozygote.

Submissions (2):

Labcorp Genetics (formerly Invitae), Labcorp
Classification: Likely benign for Microphthalmia, syndromic 11. Last evaluated: 2025-03-18. Review status: criteria provided, single submitter. Criteria: Invitae Variant Classification Sherloc (09022015). Collection method: clinical testing. Allele origin: germline.

PreventionGenetics, part of Exact Sciences
Classification: Likely benign for VAX1-related condition. Last evaluated: 2019-05-28. Review status: no assertion criteria provided. Collection method: clinical testing. Allele origin: germline. Not counted in ClinVar's aggregate classification.
Comment: This variant is classified as likely benign based on ACMG/AMP sequence variant interpretation guidelines (Richards et al. 2015 PMID: 25741868, with internal and published modifications).